The following is an entry in ClinVar:

ClinVar aggregate classification (germline): Pathogenic/Likely pathogenic. Review status: criteria provided, multiple submitters, no conflicts (2 of 4 stars). 2 submissions from 2 submitters: Pathogenic (1); Likely pathogenic (1). Last evaluated 2024-09-22.

Conditions:
Autosomal recessive limb-girdle muscular dystrophy type 2E (LGMDR4). Also called: MUSCULAR DYSTROPHY, LIMB-GIRDLE, AUTOSOMAL RECESSIVE 4. Identifiers: Orphanet 119, MedGen C1858593, MONDO:0011423, OMIM 604286. Disease mechanism: Affects gamma-sarcoglycan and also disrupts the integrity of the entire sarcoglycan complex..

Submissions (2):

Natera, Inc.
Classification: Likely pathogenic for Limb-girdle muscular dystrophy type 2E. Last evaluated: 2024-09-22. Review status: criteria provided, single submitter. Criteria: Natera Variant Classification Schema (03/2026). Collection method: clinical testing. Allele origin: germline.
Comment: The c.621+1G>A variant in SGCB is a canonical splice donor site variant predicted to affect pre-mRNA splicing, which may result in an abnormal transcript and altered protein product. This variant is expected to result in nonsense mediated decay, truncation, or a dysfunctional protein product. This variant is rare in the general population with a frequency below the threshold expected for the associated phenotype(s). This variant has been observed in one or more individuals affected with the associated recessive disease, as either homozygous or compound heterozygous with a second variant (PMID: 35741838). Given the available evidence, this variant is classified as Likely Pathogenic.

Labcorp Genetics (formerly Invitae), Labcorp
Classification: Pathogenic for Autosomal recessive limb-girdle muscular dystrophy type 2E. Last evaluated: 2024-03-09. Review status: criteria provided, single submitter. Criteria: Invitae Variant Classification Sherloc (09022015). Collection method: clinical testing. Allele origin: germline.
Comment: This sequence change affects a donor splice site in intron 4 of the SGCB gene. It is expected to disrupt RNA splicing. Variants that disrupt the donor or acceptor splice site typically lead to a loss of protein function (PMID: 16199547), and loss-of-function variants in SGCB are known to be pathogenic (PMID: 15938573, 18285821). This variant is not present in population databases (gnomAD no frequency). Disruption of this splice site has been observed in individual(s) with clinical features of limb-girdle muscular dystrophy (Invitae). In at least one individual the data is consistent with being in trans (on the opposite chromosome) from a pathogenic variant. ClinVar contains an entry for this variant (Variation ID: 665890). Algorithms developed to predict the effect of sequence changes on RNA splicing suggest that this variant may disrupt the consensus splice site. For these reasons, this variant has been classified as Pathogenic.

Literature cited by the submitters: PubMed 35741838 (cited by Natera, Inc.); PubMed 16199547 (cited by Labcorp Genetics (formerly Invitae), Labcorp); PubMed 15938573 (cited by Labcorp Genetics (formerly Invitae), Labcorp); PubMed 18285821 (cited by Labcorp Genetics (formerly Invitae), Labcorp).

NM_000232.5(SGCB):c.621+1G>A

Gene: SGCB (sarcoglycan beta; minus strand). Cytogenetic location: 4q12.
Variant type: single nucleotide variant.
Coding change: c.621+1G>A on transcript NM_000232.5 (MANE Select); the canonical splice donor site of the intron after coding-DNA position 621, G replaced by A.
Molecular consequence: splice donor variant.
Genome position (GRCh38, 1-based): chr4:52,028,729, C>T on the plus strand (G>A on the coding strand, the complement: SGCB is on the minus strand). VCF-style: chr4-52028729-C-T. GRCh37 (hg19) VCF-style: chr4-52894895-C-T.
Identifiers: ClinVar variation 665890 (VCV000665890.10), dbSNP rs1264362642, ClinGen allele CA356876425.
Genomic context (GRCh38, chr4:52,028,729, plus strand): 5'-CACTTTATAACTCTAGAGAATAATTCTCTCCCATTAGTAAAACAAAGCCAATAAATCATA[C>T]CCTTTCAGTAGATGCCTTTTGAACATTCAAACTTTTCACTCCACTTGGCAAATGAAACTC-3'